The following is an entry in ClinVar:

NM_001354930.2(RIPK1):c.1607G>C (p.Ser536Thr)

Gene: RIPK1 (receptor interacting serine/threonine kinase 1; plus strand). Cytogenetic location: 6p25.2.
Variant type: single nucleotide variant.
Coding change: c.1607G>C on transcript NM_001354930.2 (MANE Select); coding-DNA position 1607, G replaced by C.
Protein change: p.Ser536Thr; replaces serine 536 with threonine.
Molecular consequence: missense variant.
Genome position (GRCh38, 1-based): chr6:3,110,833, G>C. VCF-style: chr6-3110833-G-C. GRCh37 (hg19) VCF-style: chr6-3111067-G-C.
Other names: c.1118G>C, p.Ser373Thr (NM_001317061.3, NM_001354932.2, NM_001354933.2 and 1 more transcripts); c.1469G>C, p.Ser490Thr (NM_001354931.2); c.1607G>C, p.Ser536Thr (NM_003804.6); short protein forms S373T, S490T, S536T.
Identifiers: ClinVar variation 2628860 (VCV002628860.4), dbSNP rs2533381909, ClinGen allele CA362576180.

ClinVar aggregate classification (germline): Uncertain significance. Review status: criteria provided, multiple submitters, no conflicts (2 of 4 stars). 2 submissions from 2 submitters: Uncertain significance (2). Last evaluated 2026-01-24.

Conditions:
RIPK1-related disorder. Also called: RIPK1-related condition.

gnomAD v4.1: 4 of 1,586,920 alleles (0.00025%); highest among the groups gnomAD compares: Non-Finnish European, 0.00035%; no homozygotes.

Submissions (2):

Labcorp Genetics (formerly Invitae), Labcorp
Classification: Uncertain significance. Last evaluated: 2026-01-24. Review status: criteria provided, single submitter. Criteria: Invitae Variant Classification Sherloc (09022015). Collection method: clinical testing. Allele origin: germline.
Comment: This sequence change replaces serine, which is neutral and polar, with threonine, which is neutral and polar, at codon 536 of the RIPK1 protein (p.Ser536Thr). This variant is not present in population databases (gnomAD no frequency). This variant has not been reported in the literature in individuals affected with RIPK1-related conditions. ClinVar contains an entry for this variant (Variation ID: 2628860). An algorithm developed to predict the effect of missense changes on protein structure and function (PolyPhen-2) suggests that this variant is likely to be disruptive. In summary, the available evidence is currently insufficient to determine the role of this variant in disease. Therefore, it has been classified as a Variant of Uncertain Significance.

PreventionGenetics, part of Exact Sciences
Classification: Uncertain significance for RIPK1-related condition. Last evaluated: 2023-08-18. Review status: criteria provided, single submitter. Criteria: ACMG Guidelines, 2015. Collection method: clinical testing. Allele origin: germline.
Comment: The RIPK1 c.1607G>C variant is predicted to result in the amino acid substitution p.Ser536Thr. To our knowledge, this variant has not been reported in the literature or in a large population database, indicating this variant is rare. At this time, the clinical significance of this variant is uncertain due to the absence of conclusive functional and genetic evidence.